The following is an entry in ClinVar:

ClinVar aggregate classification (germline): Uncertain significance (1 of 4 stars; one submission).

Allele frequency attached by ClinVar (database versions not stated): gnomAD exomes below 0.00001.
gnomAD v4.1: 2 of 1,612,834 alleles (0.00012%); highest among the groups gnomAD compares: Non-Finnish European, 0.00017%; no homozygotes.

Submission:

Labcorp Genetics (formerly Invitae), Labcorp
Classification: Uncertain significance. Last evaluated: 2022-05-21. Review status: criteria provided, single submitter. Criteria: Invitae Variant Classification Sherloc (09022015). Collection method: clinical testing. Allele origin: germline.
Comment: In summary, the available evidence is currently insufficient to determine the role of this variant in disease. Therefore, it has been classified as a Variant of Uncertain Significance. Algorithms developed to predict the effect of missense changes on protein structure and function are either unavailable or do not agree on the potential impact of this missense change (SIFT: "Tolerated"; PolyPhen-2: "Possibly Damaging"; Align-GVGD: "Class C0"). This variant has not been reported in the literature in individuals affected with TONSL-related conditions. This variant is not present in population databases (gnomAD no frequency). This sequence change replaces lysine, which is basic and polar, with arginine, which is basic and polar, at codon 275 of the TONSL protein (p.Lys275Arg).

NM_013432.5(TONSL):c.824A>G (p.Lys275Arg)

Gene: TONSL (tonsoku like, DNA repair protein; minus strand). Cytogenetic location: 8q24.3.
Variant type: single nucleotide variant.
Coding change: c.824A>G on transcript NM_013432.5 (MANE Select); coding-DNA position 824, A replaced by G.
Protein change: p.Lys275Arg; replaces lysine 275 with arginine.
Molecular consequence: missense variant.
Genome position (GRCh38, 1-based): chr8:144,442,078, T>C on the plus strand (A>G on the coding strand, the complement: TONSL is on the minus strand). VCF-style: chr8-144442078-T-C. GRCh37 (hg19) VCF-style: chr8-145667461-T-C.
Other names: short protein forms K275R.
Identifiers: ClinVar variation 2133138 (VCV002133138.4), dbSNP rs2537506168, ClinGen allele CA372675024.